The following is an entry in ClinVar:

ClinVar aggregate classification (germline): Uncertain significance (1 of 4 stars; one submission).

Conditions:
Spongy degeneration of central nervous system. Also called: ACY2 DEFICIENCY; AMINOACYLASE 2 DEFICIENCY; ASP DEFICIENCY; ASPA DEFICIENCY; ASPARTOACYLASE DEFICIENCY; CANAVAN-VAN BOGAERT-BERTRAND DISEASE. Identifiers: Orphanet 141, MedGen C0206307, MONDO:0010079, OMIM 271900.

Submission:

Foundation for Research in Genetics and Endocrinology, FRIGE's Institute of Human Genetics
Classification: Uncertain significance for Spongy degeneration of central nervous system. Last evaluated: 2025-09-18. Review status: criteria provided, single submitter. Criteria: ACMG Guidelines, 2015. Collection method: clinical testing. Allele origin: germline. Inheritance: Autosomal recessive inheritance. Affected: yes. Observed: 1 variant allele, 1 homozygote.
Comment: A homozygous missense variant in exon 5 of the ASPA gene that results in the amino acid substitution of Phenylalanine for Valine at codon 222 was detected. The observed variant c.664G>T has not been reported in the 1000 genomes and gnomAD databases. The in-silico prediction of the variant is deleterious by MutationTaster2, DANN, and FATHMM. In summary, the variant meets our criteria to be classified as a variant of uncertain significance.

NM_000049.4(ASPA):c.664G>T (p.Val222Phe)

Genes: ASPA (aspartoacylase; plus strand), SPATA22 (spermatogenesis associated 22; minus strand). Cytogenetic location: 17p13.2.
Variant type: single nucleotide variant.
Coding change: c.664G>T on transcript NM_000049.4 (MANE Select); coding-DNA position 664, G replaced by T.
Protein change: p.Val222Phe; replaces valine 222 with phenylalanine.
Molecular consequence: missense variant. On other transcripts: intron variant (2).
Genome position (GRCh38, 1-based): chr17:3,494,379, G>T. VCF-style: chr17-3494379-G-T. GRCh37 (hg19) VCF-style: chr17-3397673-G-T.
Other names: p.Val222Phe; c.664G>T, p.Val222Phe (NM_001128085.1); c.-74+19033C>A (NM_001321336.2, NM_001321337.2); short protein forms V222F.
Identifiers: ClinVar variation 4820320 (VCV004820320.1).
Genomic context (GRCh38, chr17:3,494,379, plus strand): 5'-TTGCCATTGATACATATTGTTTTTGTCATAGGAAAAGAATTTCCTCCCTGCGCCATTGAG[G>T]TCTATAAAATTATAGAGAAAGTTGATTACCCCCGGGATGAAAATGGAGAAATTGCTGCTA-3'
Protein context (NP_000040.1, residues 212-232): GKEFPPCAIE[Val222Phe]YKIIEKVDYP